The following is an entry in ClinVar:

ClinVar aggregate classification (germline): Uncertain significance. Review status: criteria provided, multiple submitters, no conflicts (2 of 4 stars). 3 submissions from 3 submitters: Uncertain significance (2). 1 of the submissions does not count toward it. Last evaluated 2026-07-01.

Conditions:
Glycogen storage disease, type V (GSD5). Also called: PYGM DEFICIENCY; McArdle type glycogen storage disease; MCARDLE DISEASE; MUSCLE GLYCOGEN PHOSPHORYLASE DEFICIENCY; MYOPHOSPHORYLASE DEFICIENCY. Identifiers: Orphanet 368, MedGen C0017924, MONDO:0009293, OMIM 232600.
Elevated circulating creatine kinase activity. Also called: Elevated creatine kinase; Elevated serum creatine phosphokinase; Elevated circulating creatine kinase concentration. Identifiers: MedGen C0241005, HP:0003236.

Submissions (3):

CeGaT Center for Human Genetics Tuebingen
Classification: Uncertain significance. Last evaluated: 2026-07-01. Review status: criteria provided, single submitter. Criteria: CeGaT Center For Human Genetics Tuebingen Variant Classification Criteria Version 2. Collection method: clinical testing. Allele origin: germline. Affected: yes. Observed: 1 variant allele.
Comment: PYGM: PM2, PM3:Supporting, PP3

Labcorp Genetics (formerly Invitae), Labcorp
Classification: Uncertain significance for Glycogen storage disease, type V. Last evaluated: 2025-06-02. Review status: criteria provided, single submitter. Criteria: Invitae Variant Classification Sherloc (09022015). Collection method: clinical testing. Allele origin: germline.
Comment: This sequence change replaces alanine, which is neutral and non-polar, with threonine, which is neutral and polar, at codon 674 of the PYGM protein (p.Ala674Thr). This variant is not present in population databases (gnomAD no frequency). This variant has not been reported in the literature in individuals affected with PYGM-related conditions. ClinVar contains an entry for this variant (Variation ID: 1027668). Invitae Evidence Modeling of protein sequence and biophysical properties (such as structural, functional, and spatial information, amino acid conservation, physicochemical variation, residue mobility, and thermodynamic stability) indicates that this missense variant is expected to disrupt PYGM protein function with a positive predictive value of 95%. In summary, the available evidence is currently insufficient to determine the role of this variant in disease. Therefore, it has been classified as a Variant of Uncertain Significance.

Institute of Human Genetics, University of Wuerzburg
Classification: Uncertain significance for Elevated circulating creatine kinase activity. Review status: no assertion criteria provided. Collection method: clinical testing. Allele origin: unknown. Not counted in ClinVar's aggregate classification.

NM_005609.4(PYGM):c.2020G>A (p.Ala674Thr)

Gene: PYGM (glycogen phosphorylase, muscle associated; minus strand). Cytogenetic location: 11q13.1.
Variant type: single nucleotide variant.
Coding change: c.2020G>A on transcript NM_005609.4 (MANE Select); coding-DNA position 2020, G replaced by A.
Protein change: p.Ala674Thr; replaces alanine 674 with threonine.
Molecular consequence: missense variant.
Genome position (GRCh38, 1-based): chr11:64,750,533, C>T on the plus strand (G>A on the coding strand, the complement: PYGM is on the minus strand). VCF-style: chr11-64750533-C-T. GRCh37 (hg19) VCF-style: chr11-64518005-C-T.
Other names: c.1756G>A, p.Ala586Thr (NM_001164716.1); short protein forms A586T, A674T.
Identifiers: ClinVar variation 1027668 (VCV001027668.5), dbSNP rs2058348746, ClinGen allele CA381168091.
Genomic context (GRCh38, chr11:64,750,533, plus strand): 5'-CCATGGTGCCAATGGTCAGAGCCCCGTTGAGCATGAACTTCATGTTGCCGGTGCCTGAGG[C>T]TTCAGTGCCCGCAGTGGAGATCTGCTCAGAGAGGTCTGCAGCTGGGATCACTGTGGGGTG-3'
Protein context (NP_005600.1, residues 664-684): SEQISTAGTE[Ala674Thr]SGTGNMKFML